The following is an entry in ClinVar:

NM_000548.5(TSC2):c.60A>G (p.Gly20=)

Gene: TSC2 (TSC complex subunit 2; plus strand). Cytogenetic location: 16p13.3.
Variant type: single nucleotide variant.
Coding change: c.60A>G on transcript NM_000548.5 (MANE Select); coding-DNA position 60, A replaced by G.
Protein change: p.Gly20=; no amino-acid change (glycine 20 retained).
Molecular consequence: synonymous variant. On other transcripts: 5 prime UTR variant (1), intron variant (1).
Genome position (GRCh38, 1-based): chr16:2,048,675, A>G. VCF-style: chr16-2048675-A-G. GRCh37 (hg19) VCF-style: chr16-2098676-A-G.
Other names: c.60A>G, p.Gly20= (NM_001077183.3, NM_001114382.3, NM_001318827.2 and 4 more transcripts); c.-167A>G (NM_001318831.2); c.93A>G, p.Gly31= (NM_001318832.2); c.-10+610A>G (NM_001318829.2).
Identifiers: ClinVar variation 413713 (VCV000413713.12), dbSNP rs1060504108, ClinGen allele CA16615025.

ClinVar aggregate classification (germline): Likely benign. Review status: criteria provided, multiple submitters, no conflicts (2 of 4 stars). 3 submissions from 3 submitters: Likely benign (3). Last evaluated 2024-07-27.

Conditions:
Hereditary cancer-predisposing syndrome. Also called: Tumor predisposition; Neoplastic Syndromes, Hereditary; Hereditary Cancer Syndrome; Hereditary neoplastic syndrome. Identifiers: Orphanet 140162, MedGen C0027672, MeSH D009386, MONDO:0015356.
Tuberous sclerosis syndrome (TSC). Also called: Tuberous Sclerosis Complex; Tuberous sclerosis. Identifiers: Orphanet 805, MedGen C0041341, MONDO:0001734.
Tuberous sclerosis 2 (TSC2). Identifiers: Orphanet 805, MedGen C1860707, MONDO:0013199, OMIM 613254.

Submissions (3):

Ambry Genetics
Classification: Likely benign for Hereditary cancer-predisposing syndrome. Last evaluated: 2024-07-27. Review status: criteria provided, single submitter. Criteria: Ambry Variant Classification Scheme 2023. Collection method: clinical testing. Allele origin: germline.

All of Us Research Program, National Institutes of Health
Classification: Likely benign for Tuberous sclerosis syndrome. Last evaluated: 2023-09-17. Review status: criteria provided, single submitter. Criteria: ACMG Guidelines, 2015. Collection method: clinical testing. Allele origin: germline. Inheritance: Autosomal dominant inheritance. Observed: 1 variant allele, 1 heterozygote.
Comment: This study involves interpretation of variants in research participants for the purpose of population health screening. Participant phenotype was not available at the time of variant classification. Additional details can be found in publication PMID: 35346344, PMCID: PMC8962531

Labcorp Genetics (formerly Invitae), Labcorp
Classification: Likely benign for Tuberous sclerosis 2. Last evaluated: 2020-07-08. Review status: criteria provided, single submitter. Criteria: Invitae Variant Classification Sherloc (09022015). Collection method: clinical testing. Allele origin: germline.